The following is an entry in ClinVar:

ClinVar aggregate classification (germline): Conflicting classifications of pathogenicity. Review status: criteria provided, conflicting classifications (1 of 4 stars). 9 submissions from 9 submitters: Uncertain significance (5); Likely benign (4). Last evaluated 2025-12-09.

Conditions:
Hermansky-Pudlak syndrome 2 (HPS2). Also called: Platelet defects and oculocutaneous albinism. Identifiers: Orphanet 183678, Orphanet 79430, MedGen C1842362, MONDO:0011997, OMIM 608233.
Inborn genetic diseases. Identifiers: MedGen C0950123, MeSH D030342.
AP3B1-related disorder. Also called: AP3B1-related condition.

Allele frequency attached by ClinVar (database versions not stated): ESP Exome Variant Server 0.00054; TOPMed 0.00064; gnomAD exomes 0.00008 and 0.00011; ExAC 0.00018; 1000 Genomes Project 30x 0.00031; 1000 Genomes Project 0.00040; gnomAD 0.00042 and 0.00046.
gnomAD v4.1: 193 of 1,606,362 alleles (0.012%); highest among the groups gnomAD compares: African/African-American, 0.19%; no homozygotes.

Submissions (9):

Women's Health and Genetics/Laboratory Corporation of America, LabCorp
Classification: Likely benign. Last evaluated: 2025-12-09. Review status: criteria provided, single submitter. Criteria: LabCorp Variant Classification Summary - May 2015. Collection method: clinical testing. Allele origin: germline.
Comment: Variant summary: AP3B1 c.1184A>G (p.Asn395Ser) results in a conservative amino acid change in the encoded protein sequence. Algorithms developed to predict the effect of missense changes on protein structure and function are either unavailable or do not agree on the potential impact of this missense change. The variant allele was found at a frequency of 0.00011 in 244040 control chromosomes, predominantly at a frequency of 0.0013 within the African or African-American subpopulation in the gnomAD database. The observed variant frequency within African or African-American control individuals in the gnomAD database exceeds the estimated maximal expected allele frequency for disease-causing variants in AP3B1. To our knowledge, no occurrence of c.1184A>G in individuals affected with AP3B1-related conditions and no experimental evidence demonstrating its impact on protein function have been reported. ClinVar contains an entry for this variant (Variation ID: 354240). Based on the evidence outlined above, the variant was classified as likely benign.

Ambry Genetics
Classification: Uncertain significance for Inborn genetic diseases. Last evaluated: 2025-08-25. Review status: criteria provided, single submitter. Criteria: Ambry Variant Classification Scheme 2023. Collection method: clinical testing. Allele origin: germline.

Mayo Clinic Laboratories, Mayo Clinic
Classification: Likely benign. Last evaluated: 2025-05-19. Review status: criteria provided, single submitter. Criteria: ACMG Guidelines, 2015. Collection method: clinical testing. Allele origin: germline. Observed: 4 variant alleles.
Comment: BS1, BP4_moderate

Labcorp Genetics (formerly Invitae), Labcorp
Classification: Uncertain significance for Hermansky-Pudlak syndrome 2. Last evaluated: 2025-01-23. Review status: criteria provided, single submitter. Criteria: Invitae Variant Classification Sherloc (09022015). Collection method: clinical testing. Allele origin: germline.
Comment: This sequence change replaces asparagine, which is neutral and polar, with serine, which is neutral and polar, at codon 395 of the AP3B1 protein (p.Asn395Ser). This variant is present in population databases (rs145351589, gnomAD 0.1%). This variant has not been reported in the literature in individuals affected with AP3B1-related conditions. ClinVar contains an entry for this variant (Variation ID: 354240). An algorithm developed to predict the effect of missense changes on protein structure and function (PolyPhen-2) suggests that this variant¬†is likely to be tolerated. In summary, the available evidence is currently insufficient to determine the role of this variant in disease. Therefore, it has been classified as a Variant of Uncertain Significance.

PreventionGenetics, part of Exact Sciences
Classification: Likely benign for AP3B1-related condition. Last evaluated: 2024-12-12. Review status: criteria provided, single submitter. Criteria: ACMG Guidelines, 2015. Collection method: clinical testing. Allele origin: germline.
Comment: This variant is classified as likely benign based on ACMG/AMP sequence variant interpretation guidelines (Richards et al. 2015 PMID: 25741868, with internal and published modifications).

3billion
Classification: Likely benign for Hermansky-Pudlak syndrome 2. Last evaluated: 2024-09-20. Review status: criteria provided, single submitter. Criteria: ACMG Guidelines, 2015. Collection method: clinical testing. Allele origin: germline. Affected: no.
Comment: The homozygous variant was found in patients diagnosed with another variant in a different gene, with no symptoms related to the gene containing the homozygous variant.

GeneDx
Classification: Uncertain significance. Last evaluated: 2023-02-09. Review status: criteria provided, single submitter. Criteria: GeneDx Variant Classification Process June 2021. Collection method: clinical testing. Allele origin: germline. Affected: yes.
Comment: In silico analysis supports that this missense variant has a deleterious effect on protein structure/function; Has not been previously published as pathogenic or benign to our knowledge

Illumina Laboratory Services, Illumina
Classification: Uncertain significance for Hermansky-Pudlak syndrome 2. Last evaluated: 2018-01-13. Review status: criteria provided, single submitter. Criteria: ICSL Variant Classification Criteria 13 December 2019. Collection method: clinical testing. Allele origin: germline.

Breakthrough Genomics
Classification: Uncertain significance. Review status: criteria provided, single submitter. Criteria: ACMG Guidelines, 2015. Collection method: not provided. Allele origin: germline. Inheritance: Autosomal recessive inheritance. Affected: yes.

NM_003664.5(AP3B1):c.1184A>G (p.Asn395Ser)

Gene: AP3B1 (adaptor related protein complex 3 subunit beta 1; minus strand). Cytogenetic location: 5q14.1.
Variant type: single nucleotide variant.
Coding change: c.1184A>G on transcript NM_003664.5 (MANE Select); coding-DNA position 1184, A replaced by G.
Protein change: p.Asn395Ser; replaces asparagine 395 with serine.
Molecular consequence: missense variant.
Genome position (GRCh38, 1-based): chr5:78,165,656, T>C on the plus strand (A>G on the coding strand, the complement: AP3B1 is on the minus strand). VCF-style: chr5-78165656-T-C. GRCh37 (hg19) VCF-style: chr5-77461480-T-C.
Other names: p.Asn395Ser; c.1037A>G, p.Asn346Ser (NM_001271769.2); c.1184A>G (NM_003664.3); short protein forms N395S, N346S.
Identifiers: ClinVar variation 354240 (VCV000354240.17), dbSNP rs145351589, ClinGen allele CA3317146.
Genomic context (GRCh38, chr5:78,165,656, plus strand): 5'-CACTGTACACAAACCTGAAATTCTCGAAGAAGAGTTGATATGTTGGCTTCATTTGCCAAG[T>C]TTGTCAAAATTTCAAGCTATAGTAGAGAAAAGAGAAAGTAAACATTTTAAAACAAAGGTA-3'
Protein context (NP_003655.3, residues 385-405): IKTLKLEILT[Asn395Ser]LANEANISTL